The following is an entry in ClinVar:

ClinVar aggregate classification (germline): Likely benign. Review status: criteria provided, multiple submitters, no conflicts (2 of 4 stars). 3 submissions from 3 submitters: Likely benign (3). Last evaluated 2025-10-29.

Conditions:
Cardiovascular phenotype. Identifiers: MedGen CN230736.
Long QT syndrome (LQTS). Identifiers: MedGen C0023976, MeSH D008133, MONDO:0002442. Disease mechanism: loss of function. Inheritance: Various modes of inheritance.

Allele frequency attached by ClinVar (database versions not stated): gnomAD 0.00001; TOPMed 0.00001.
gnomAD v4.1: 4 of 1,614,066 alleles (0.00025%); highest among the groups gnomAD compares: Non-Finnish European, 0.00034%; no homozygotes.

Submissions (3):

Ambry Genetics
Classification: Likely benign for Cardiovascular phenotype. Last evaluated: 2025-10-29. Review status: criteria provided, single submitter. Criteria: Ambry Variant Classification Scheme 2023. Collection method: clinical testing. Allele origin: germline.

Labcorp Genetics (formerly Invitae), Labcorp
Classification: Likely benign for Long QT syndrome. Last evaluated: 2023-03-20. Review status: criteria provided, single submitter. Criteria: Invitae Variant Classification Sherloc (09022015). Collection method: clinical testing. Allele origin: germline.

GeneDx
Classification: Likely benign. Last evaluated: 2016-11-16. Review status: criteria provided, single submitter. Criteria: GeneDx Variant Classification (06012015). Collection method: clinical testing. Allele origin: germline. Affected: yes.
Comment: This variant is considered likely benign or benign based on one or more of the following criteria: it is a conservative change, it occurs at a poorly conserved position in the protein, it is predicted to be benign by multiple in silico algorithms, and/or has population frequency not consistent with disease.

NM_003098.3(SNTA1):c.1480C>T (p.Leu494=)

Gene: SNTA1 (syntrophin alpha 1; minus strand). Cytogenetic location: 20q11.21.
Variant type: single nucleotide variant.
Coding change: c.1480C>T on transcript NM_003098.3 (MANE Select); coding-DNA position 1480, C replaced by T.
Protein change: p.Leu494=; no amino-acid change (leucine 494 retained).
Molecular consequence: synonymous variant.
Genome position (GRCh38, 1-based): chr20:33,408,545, G>A on the plus strand (C>T on the coding strand, the complement: SNTA1 is on the minus strand). VCF-style: chr20-33408545-G-A. GRCh37 (hg19) VCF-style: chr20-31996351-G-A.
Identifiers: ClinVar variation 390641 (VCV000390641.5), dbSNP rs763351253, ClinGen allele CA16607969.